The following is an entry in ClinVar:

ClinVar aggregate classification (germline): Uncertain significance (1 of 4 stars; one submission).

Submission:

Labcorp Genetics (formerly Invitae), Labcorp
Classification: Uncertain significance. Last evaluated: 2022-10-24. Review status: criteria provided, single submitter. Criteria: Invitae Variant Classification Sherloc (09022015). Collection method: clinical testing. Allele origin: germline.
Comment: This sequence change falls in intron 34 of the EIF2AK4 gene. It does not directly change the encoded amino acid sequence of the EIF2AK4 protein. This variant is not present in population databases (gnomAD no frequency). This variant has not been reported in the literature in individuals affected with EIF2AK4-related conditions. Algorithms developed to predict the effect of sequence changes on RNA splicing suggest that this variant may disrupt the consensus splice site. In summary, the available evidence is currently insufficient to determine the role of this variant in disease. Therefore, it has been classified as a Variant of Uncertain Significance.

NM_001013703.4(EIF2AK4):c.4562-15CT[2]

Gene: EIF2AK4 (eukaryotic translation initiation factor 2 alpha kinase 4; plus strand). Cytogenetic location: 15q15.1.
Variant type: Microsatellite.
Coding change: c.4562-15CT[2] on transcript NM_001013703.4 (MANE Select); two copies in a row of the 2-base unit CT starting at c.4562-15; the reference has three copies in a row; one copy, 2 bases deleted.
Molecular consequence: intron variant.
Genome position (GRCh38, 1-based): chr15:40,030,348-40,030,349, CT deleted; deleting any 2 consecutive bases within chr15:40,030,344-40,030,349 gives the same sequence; the position shown is the placement nearest the transcript's 3' end. VCF-style (leftmost placement, unchanged base first): chr15-40030343-ACT-A. GRCh37 (hg19) VCF-style: chr15-40322544-ACT-A.
Identifiers: ClinVar variation 1991210 (VCV001991210.1), dbSNP rs1024100853, ClinGen allele CA268731517.
Genomic context (GRCh38, chr15:40,030,343, plus strand): 5'-CTGCCATCTCTCTGTAGTATGTTGTAGAAAGTGGGACCAGATAAGGCCATAAATTCTGAA[ACT>A]CTCTTGGTCTCAGGTTTGTTTGAAATCCATGGAGCAACAGTGGTTCCCATTGTGAGTGTG-3'